The following is an entry in ClinVar:

ClinVar aggregate classification (germline): Conflicting classifications of pathogenicity. Review status: criteria provided, conflicting classifications (1 of 4 stars). 4 submissions from 4 submitters: Uncertain significance (1); Benign (1); Likely benign (1). 1 of the submissions does not count toward it. Last evaluated 2026-01-27.

Conditions:
Retinal dystrophy. Also called: Inherited retinal dystrophy. Identifiers: Orphanet 71862, MedGen C0854723, MeSH D058499, MONDO:0019118, HP:0000556.

Allele frequency attached by ClinVar (database versions not stated): ExAC 0.00029; 1000 Genomes Project 30x 0.00031; gnomAD exomes 0.00074; TOPMed 0.00088.
gnomAD v4.1: 1,435 of 1,479,536 alleles (0.097%); highest among the groups gnomAD compares: Non-Finnish European, 0.11%; 3 homozygotes.

Submissions (4):

Labcorp Genetics (formerly Invitae), Labcorp
Classification: Benign. Last evaluated: 2026-01-27. Review status: criteria provided, single submitter. Criteria: Invitae Variant Classification Sherloc (09022015). Collection method: clinical testing. Allele origin: germline.

Blueprint Genetics
Classification: Likely benign. Last evaluated: 2024-11-27. Review status: criteria provided, single submitter. Criteria: ACMG Guidelines, 2015. Collection method: clinical testing. Allele origin: germline.

GeneDx
Classification: Uncertain significance. Last evaluated: 2021-04-06. Review status: criteria provided, single submitter. Criteria: GeneDx Variant Classification Process June 2021. Collection method: clinical testing. Allele origin: germline. Affected: yes.
Comment: In silico analysis supports that this missense variant does not alter protein structure/function; In-silico analysis, which includes splice predictors and evolutionary conservation, is inconclusive as to whether the variant alters gene splicing. In the absence of RNA/functional studies, the actual effect of this sequence change is unknown.; Has not been previously published as pathogenic or benign to our knowledge

Institute of Human Genetics, Univ. Regensburg, Univ. Regensburg
Classification: Uncertain significance for Retinal dystrophy. Last evaluated: 2023-01-01. Review status: no assertion criteria provided. Criteria: ACMG Guidelines, 2015. Collection method: clinical testing. Allele origin: germline. Affected: yes. Not counted in ClinVar's aggregate classification.

NM_199355.4(ADAMTS18):c.37G>C (p.Ala13Pro)

Gene: ADAMTS18 (ADAM metallopeptidase with thrombospondin type 1 motif 18; minus strand). Cytogenetic location: 16q23.1.
Variant type: single nucleotide variant.
Coding change: c.37G>C on transcript NM_199355.4 (MANE Select); coding-DNA position 37, G replaced by C.
Protein change: p.Ala13Pro; replaces alanine 13 with proline.
Molecular consequence: missense variant. On other transcripts: 5 prime UTR variant (1).
Genome position (GRCh38, 1-based): chr16:77,434,659, C>G on the plus strand (G>C on the coding strand, the complement: ADAMTS18 is on the minus strand). VCF-style: chr16-77434659-C-G. GRCh37 (hg19) VCF-style: chr16-77468556-C-G.
Other names: c.-484G>C (NM_001326358.2); short protein forms A13P.
Identifiers: ClinVar variation 837207 (VCV000837207.13), dbSNP rs751818903, ClinGen allele CA8181805.